The following is an entry in ClinVar:

ClinVar aggregate classification (germline): Uncertain significance. Review status: criteria provided, multiple submitters, no conflicts (2 of 4 stars). 3 submissions from 3 submitters: Uncertain significance (3). Last evaluated 2025-05-31.

Conditions:
Hereditary cancer-predisposing syndrome. Also called: Tumor predisposition; Neoplastic Syndromes, Hereditary; Hereditary Cancer Syndrome; Hereditary neoplastic syndrome. Identifiers: Orphanet 140162, MedGen C0027672, MeSH D009386, MONDO:0015356.
Hereditary breast ovarian cancer syndrome. Also called: BRCA1- and BRCA2-Associated Hereditary Breast and Ovarian Cancer; Hereditary breast and/or ovarian cancer syndrome; Hereditary breast and ovarian cancer syndrome; Hereditary breast and ovarian cancer syndrome (HBOC); Breast and ovarian cancer; Hereditary breast and ovarian cancer. Identifiers: Orphanet 145, MedGen C0677776, MeSH D061325, MONDO:0003582. Disease mechanism: loss of function.

Submissions (3):

Ambry Genetics
Classification: Uncertain significance for Hereditary cancer-predisposing syndrome. Last evaluated: 2025-05-31. Review status: criteria provided, single submitter. Criteria: Ambry Variant Classification Scheme 2023. Collection method: clinical testing. Allele origin: germline.
Comment: The p.D1533G variant (also known as c.4598A>G), located in coding exon 13 of the BRCA1 gene, results from an A to G substitution at nucleotide position 4598. The aspartic acid at codon 1533 is replaced by glycine, an amino acid with similar properties. This amino acid position is conserved. In addition, the in silico prediction for this alteration is inconclusive. Since supporting evidence is limited at this time, the clinical significance of this alteration remains unclear.

Color Diagnostics, LLC DBA Color Health
Classification: Uncertain significance for Hereditary cancer-predisposing syndrome. Last evaluated: 2025-05-31. Review status: criteria provided, single submitter. Criteria: ACMG Guidelines, 2015. Collection method: clinical testing. Allele origin: germline.
Comment: This missense variant replaces aspartic acid with glycine at codon 1533 of the BRCA1 protein. Computational prediction is inconclusive regarding the impact of this variant on protein structure and functio. To our knowledge, functional studies have not been reported for this variant. This variant has not been reported in individuals affected with BRCA1-related disorders in the literature. This variant has not been identified in the general population by the Genome Aggregation Database (gnomAD). The available evidence is insufficient to determine the role of this variant in disease conclusively. Therefore, this variant is classified as a Variant of Uncertain Significance.

Labcorp Genetics (formerly Invitae), Labcorp
Classification: Uncertain significance for Hereditary breast ovarian cancer syndrome. Last evaluated: 2022-06-29. Review status: criteria provided, single submitter. Criteria: Invitae Variant Classification Sherloc (09022015). Collection method: clinical testing. Allele origin: germline.
Comment: This sequence change replaces aspartic acid, which is acidic and polar, with glycine, which is neutral and non-polar, at codon 1533 of the BRCA1 protein (p.Asp1533Gly). In summary, the available evidence is currently insufficient to determine the role of this variant in disease. Therefore, it has been classified as a Variant of Uncertain Significance. Algorithms developed to predict the effect of sequence changes on RNA splicing suggest that this variant may create or strengthen a splice site. Advanced modeling of protein sequence and biophysical properties (such as structural, functional, and spatial information, amino acid conservation, physicochemical variation, residue mobility, and thermodynamic stability) performed at Invitae indicates that this missense variant is not expected to disrupt BRCA1 protein function. This variant has not been reported in the literature in individuals affected with BRCA1-related conditions. This variant is not present in population databases (gnomAD no frequency).

NM_007294.4(BRCA1):c.4598A>G (p.Asp1533Gly)

Gene: BRCA1 (BRCA1 DNA repair associated; minus strand). Cytogenetic location: 17q21.31.
Variant type: single nucleotide variant.
Coding change: c.4598A>G on transcript NM_007294.4 (MANE Select); coding-DNA position 4598, A replaced by G.
Protein change: p.Asp1533Gly; replaces aspartic acid 1533 with glycine.
Molecular consequence: missense variant. On other transcripts: non-coding transcript variant (1).
Genome position (GRCh38, 1-based): chr17:43,074,408, T>C on the plus strand (A>G on the coding strand, the complement: BRCA1 is on the minus strand). VCF-style: chr17-43074408-T-C. GRCh37 (hg19) VCF-style: chr17-41226425-T-C.
Other names: c.4334A>G, p.Asp1445Gly (NM_001407921.1, NM_001407922.1, NM_001407923.1 and 4 more transcripts); c.4331A>G, p.Asp1444Gly (NM_001407927.1, NM_001407928.1, NM_001407929.1 and 4 more transcripts); c.4265A>G, p.Asp1422Gly (NM_001407947.1, NM_001407948.1, NM_001407949.1 and 1 more transcripts); c.4262A>G, p.Asp1421Gly (NM_001407950.1, NM_001407951.1, NM_001407952.1 and 3 more transcripts); c.4328A>G, p.Asp1443Gly (NM_001407936.1, NM_001407934.1, NM_001407935.1); c.4475A>G, p.Asp1492Gly (NM_001407937.1, NM_001407938.1, NM_001407664.1 and 6 more transcripts); c.4472A>G, p.Asp1491Gly (NM_001407940.1, NM_001407939.1, NM_001407670.1 and 11 more transcripts); c.4469A>G, p.Asp1490Gly (NM_001407941.1, NM_001407681.1, NM_001407682.1 and 6 more transcripts); and 68 more; short protein forms D1406G, D1420G, D1421G, D1445G, D1463G, D1486G, D1532G, D1553G.
Identifiers: ClinVar variation 1899333 (VCV001899333.8), dbSNP rs2551470683, ClinGen allele CA10592317.
Genomic context (GRCh38, chr17:43,074,408, plus strand): 5'-AAGTAAGATGTTTCCGTCAAATCGTGTGGCCCAGACTCTTCCAGCTGTTGCTCCTCCACA[T>C]CAACAACCTTAATGAGCTCCTCTTGAGATGGGTAGTTTCTATTCTGAAGACTCCCAGAGC-3'
Protein context (NP_009225.1, residues 1523-1543): PSQEELIKVV[Asp1533Gly]VEEQQLEESG